The following is an entry in ClinVar:

NM_000186.4(CFH):c.1801T>C (p.Phe601Leu)

Gene: CFH (complement factor H; plus strand). Cytogenetic location: 1q31.3.
Variant type: single nucleotide variant.
Coding change: c.1801T>C on transcript NM_000186.4 (MANE Select); coding-DNA position 1801, T replaced by C.
Protein change: p.Phe601Leu; replaces phenylalanine 601 with leucine.
Molecular consequence: missense variant.
Genome position (GRCh38, 1-based): chr1:196,725,225, T>C. VCF-style: chr1-196725225-T-C. GRCh37 (hg19) VCF-style: chr1-196694355-T-C.
Other names: short protein forms F601L.
Identifiers: ClinVar variation 2809984 (VCV002809984.3), dbSNP rs2529499271, ClinGen allele CA343986257.

ClinVar aggregate classification (germline): Uncertain significance (1 of 4 stars; one submission).

Allele frequency attached by ClinVar (database versions not stated): gnomAD exomes below 0.00001.
gnomAD v4.1: 1 of 1,613,956 alleles (0.000062%); highest among the groups gnomAD compares: Non-Finnish European, 0.000085%; no homozygotes.

Submission:

Labcorp Genetics (formerly Invitae), Labcorp
Classification: Uncertain significance. Last evaluated: 2022-11-09. Review status: criteria provided, single submitter. Criteria: Invitae Variant Classification Sherloc (09022015). Collection method: clinical testing. Allele origin: germline.
Comment: Algorithms developed to predict the effect of missense changes on protein structure and function output the following: SIFT: "Tolerated"; PolyPhen-2: "Benign"; Align-GVGD: "Class C0". The leucine amino acid residue is found in multiple mammalian species, which suggests that this missense change does not adversely affect protein function. In summary, the available evidence is currently insufficient to determine the role of this variant in disease. Therefore, it has been classified as a Variant of Uncertain Significance. This variant has not been reported in the literature in individuals affected with CFH-related conditions. This sequence change replaces phenylalanine, which is neutral and non-polar, with leucine, which is neutral and non-polar, at codon 601 of the CFH protein (p.Phe601Leu). This variant is not present in population databases (gnomAD no frequency).